The following is an entry in ClinVar:

ClinVar aggregate classification (germline): Pathogenic/Likely pathogenic. Review status: criteria provided, multiple submitters, no conflicts (2 of 4 stars). 4 submissions from 4 submitters: Pathogenic (2); Likely pathogenic (2). Last evaluated 2025-06-23.

Conditions:
Familial aortopathy. Identifiers: MedGen CN078214.
Familial thoracic aortic aneurysm and aortic dissection (TAAD). Also called: Thoracic aortic aneurysms and dissections. Identifiers: Orphanet 91387, MedGen C4707243, MONDO:0019625.

Submissions (4):

GeneDx
Classification: Likely pathogenic. Last evaluated: 2025-06-23. Review status: criteria provided, single submitter. Criteria: GeneDx Variant Classification Process June 2021. Collection method: clinical testing. Allele origin: germline. Affected: yes.
Comment: Has not been previously published as pathogenic or benign to our knowledge; Not observed at significant frequency in large population cohorts (gnomAD); Nonsense variant predicted to result in protein truncation or nonsense mediated decay in a gene for which loss of function is a known mechanism of disease

Ambry Genetics
Classification: Pathogenic for Familial thoracic aortic aneurysm and aortic dissection. Last evaluated: 2024-10-02. Review status: criteria provided, single submitter. Criteria: Ambry Variant Classification Scheme 2023. Collection method: clinical testing. Allele origin: germline.
Comment: The c.754C>T (p.Q252*) alteration, located in exon 6 (coding exon 6) of the SMAD3 gene, consists of a C to T substitution at nucleotide position 754. This changes the amino acid from a glutamine (Q) to a stop codon at amino acid position 252. This alteration is expected to result in loss of function by premature protein truncation or nonsense-mediated mRNA decay. This variant was not reported in population-based cohorts in the Genome Aggregation Database (gnomAD). Based on the available evidence, this alteration is classified as pathogenic.

Labcorp Genetics (formerly Invitae), Labcorp
Classification: Pathogenic for Familial thoracic aortic aneurysm and aortic dissection. Last evaluated: 2020-08-04. Review status: criteria provided, single submitter. Criteria: Invitae Variant Classification Sherloc (09022015). Collection method: clinical testing. Allele origin: germline.
Comment: This sequence change creates a premature translational stop signal (p.Gln252*) in the SMAD3 gene. It is expected to result in an absent or disrupted protein product. This variant is not present in population databases (ExAC no frequency). For these reasons, this variant has been classified as Pathogenic. Loss-of-function variants in SMAD3 are known to be pathogenic (PMID: 21778426, 24804794). This variant has not been reported in the literature in individuals with SMAD3-related conditions. ClinVar contains an entry for this variant (Variation ID: 620443).

Women's Health and Genetics/Laboratory Corporation of America, LabCorp
Classification: Likely pathogenic for Familial aortopathy. Last evaluated: 2019-09-16. Review status: criteria provided, single submitter. Criteria: LabCorp Variant Classification Summary - May 2015. Collection method: clinical testing. Allele origin: germline.
Comment: Variant summary: SMAD3 c.754C>T (p.Gln252X) results in a premature termination codon, predicted to cause a truncation of the encoded protein or absence of the protein due to nonsense mediated decay, which are commonly known mechanisms for disease. The variant was absent in 251198 control chromosomes (gnomAD). To our knowledge, no occurrence of c.754C>T in individuals affected with Aortopathy and no experimental evidence demonstrating its impact on protein function have been reported. A ClinVar submission (evaluation after 2014) cites the variant as likely pathogenic. Based on the evidence outlined above, the variant was classified as likely pathogenic.

Literature cited by the submitters: PubMed 21778426 (cited by Labcorp Genetics (formerly Invitae), Labcorp); PubMed 24804794 (cited by Labcorp Genetics (formerly Invitae), Labcorp).

NM_005902.4(SMAD3):c.754C>T (p.Gln252Ter)

Gene: SMAD3 (SMAD family member 3; plus strand). Cytogenetic location: 15q22.33.
Variant type: single nucleotide variant.
Coding change: c.754C>T on transcript NM_005902.4 (MANE Select); coding-DNA position 754, C replaced by T.
Protein change: p.Gln252Ter; replaces glutamine 252 with a stop codon.
Molecular consequence: nonsense.
Genome position (GRCh38, 1-based): chr15:67,181,336, C>T. VCF-style: chr15-67181336-C-T. GRCh37 (hg19) VCF-style: chr15-67473674-C-T.
Other names: c.439C>T, p.Gln147Ter (NM_001145102.2); c.622C>T, p.Gln208Ter (NM_001145103.2); c.169C>T, p.Gln57Ter (NM_001145104.2); short protein forms Q252*, Q208*, Q57*, Q147*.
Identifiers: ClinVar variation 620443 (VCV000620443.12), dbSNP rs1566999458, ClinGen allele CA392956194.
Genomic context (GRCh38, chr15:67,181,336, plus strand): 5'-TGGTGCTCCATCTCCTACTACGAGCTGAACCAGCGCGTCGGGGAGACATTCCACGCCTCG[C>T]AGCCATCCATGACTGTGGATGGCTTCACCGACCCCTCCAATTCGGAGCGCTTCTGCCTAG-3'